The following is an entry in ClinVar:

ClinVar aggregate classification (germline): Uncertain significance (1 of 4 stars; one submission).

Conditions:
Charcot-Marie-Tooth disease axonal type 2S. Also called: CHARCOT-MARIE-TOOTH NEUROPATHY, TYPE 2S; CHARCOT-MARIE-TOOTH DISEASE, AXONAL, AUTOSOMAL RECESSIVE, TYPE 2S. Identifiers: Orphanet 443073, MedGen C4015349, MONDO:0014511, OMIM 616155.
Autosomal recessive distal spinal muscular atrophy 1. Also called: SEVERE INFANTILE AXONAL NEUROPATHY WITH RESPIRATORY FAILURE; SPINAL MUSCULAR ATROPHY, DIAPHRAGMATIC; NEURONOPATHY, DISTAL HEREDITARY MOTOR, HARDING TYPE VI; NEUROPATHY, DISTAL HEREDITARY MOTOR, AUTOSOMAL RECESSIVE 1; HMN VI; NEURONOPATHY, SEVERE INFANTILE AXONAL, WITH RESPIRATORY FAILURE. Identifiers: Orphanet 98920, MedGen C1858517, MONDO:0011436, OMIM 604320.

Allele frequency attached by ClinVar (database versions not stated): gnomAD exomes below 0.00001 and 0.00001.
gnomAD v4.1: 18 of 1,614,038 alleles (0.0011%); highest among the groups gnomAD compares: Non-Finnish European, 0.0015%; no homozygotes.

Submission:

Labcorp Genetics (formerly Invitae), Labcorp
Classification: Uncertain significance for Autosomal recessive distal spinal muscular atrophy 1; Charcot-Marie-Tooth disease axonal type 2S. Last evaluated: 2021-10-04. Review status: criteria provided, single submitter. Criteria: Invitae Variant Classification Sherloc (09022015). Collection method: clinical testing. Allele origin: germline.
Comment: This sequence change replaces proline with alanine at codon 873 of the IGHMBP2 protein (p.Pro873Ala). The proline residue is weakly conserved and there is a small physicochemical difference between proline and alanine. This variant is not present in population databases (ExAC no frequency). This variant has not been reported in the literature in individuals affected with IGHMBP2-related conditions. Advanced modeling of protein sequence and biophysical properties (such as structural, functional, and spatial information, amino acid conservation, physicochemical variation, residue mobility, and thermodynamic stability) performed at Invitae indicates that this missense variant is not expected to disrupt IGHMBP2 protein function. In summary, the available evidence is currently insufficient to determine the role of this variant in disease. Therefore, it has been classified as a Variant of Uncertain Significance.

NM_002180.3(IGHMBP2):c.2617C>G (p.Pro873Ala)

Gene: IGHMBP2 (immunoglobulin mu DNA binding protein 2; plus strand). Cytogenetic location: 11q13.3.
Variant type: single nucleotide variant.
Coding change: c.2617C>G on transcript NM_002180.3 (MANE Select); coding-DNA position 2617, C replaced by G.
Protein change: p.Pro873Ala; replaces proline 873 with alanine.
Molecular consequence: missense variant.
Genome position (GRCh38, 1-based): chr11:68,938,187, C>G. VCF-style: chr11-68938187-C-G. GRCh37 (hg19) VCF-style: chr11-68705655-C-G.
Other names: short protein forms P873A.
Identifiers: ClinVar variation 1401161 (VCV001401161.4), dbSNP rs914944175, ClinGen allele CA223414909.